The following is an entry in ClinVar:

NM_012479.4(YWHAG):c.170G>A (p.Arg57His)

Gene: YWHAG (tyrosine 3-monooxygenase/tryptophan 5-monooxygenase activation protein gamma; minus strand). Cytogenetic location: 7q11.23.
Variant type: single nucleotide variant.
Coding change: c.170G>A on transcript NM_012479.4 (MANE Select); coding-DNA position 170, G replaced by A.
Protein change: p.Arg57His; replaces arginine 57 with histidine.
Molecular consequence: missense variant.
Genome position (GRCh38, 1-based): chr7:76,330,151, C>T on the plus strand (G>A on the coding strand, the complement: YWHAG is on the minus strand). VCF-style: chr7-76330151-C-T. GRCh37 (hg19) VCF-style: chr7-75959468-C-T.
Other names: c.170G>A (NM_012479.3); short protein forms R57H.
Identifiers: ClinVar variation 1338767 (VCV001338767.13), dbSNP rs2115589045, ClinGen allele CA367777999.

ClinVar aggregate classification (germline): Pathogenic/Likely pathogenic. Review status: criteria provided, multiple submitters, no conflicts (2 of 4 stars). 6 submissions from 6 submitters: Pathogenic (4); Likely pathogenic (2). Last evaluated 2025-09-02.

Conditions:
YWHAG-related disorder. Also called: YWHAG-related condition.
Developmental and epileptic encephalopathy, 56. Also called: EPILEPTIC ENCEPHALOPATHY, EARLY INFANTILE, 56. Identifiers: MedGen C4540034, MONDO:0033365, OMIM 617665.
Inborn genetic diseases. Identifiers: MedGen C0950123, MeSH D030342.

Submissions (6):

Labcorp Genetics (formerly Invitae), Labcorp
Classification: Pathogenic. Last evaluated: 2025-09-02. Review status: criteria provided, single submitter. Criteria: Invitae Variant Classification Sherloc (09022015). Collection method: clinical testing. Allele origin: germline.
Comment: This sequence change replaces arginine, which is basic and polar, with histidine, which is basic and polar, at codon 57 of the YWHAG protein (p.Arg57His). This variant is not present in population databases (gnomAD no frequency). This missense change has been observed in individual(s) with developmental and epileptic encephalopathy (PMID: 33590706). In at least one individual the variant was observed to be de novo. ClinVar contains an entry for this variant (Variation ID: 1338767). Invitae Evidence Modeling of protein sequence and biophysical properties (such as structural, functional, and spatial information, amino acid conservation, physicochemical variation, residue mobility, and thermodynamic stability) indicates that this missense variant is expected to disrupt YWHAG protein function with a positive predictive value of 80%. This variant disrupts the p.Arg57 amino acid residue in YWHAG. Other variant(s) that disrupt this residue have been determined to be pathogenic (PMID: 31926053; internal data). This suggests that this residue is clinically significant, and that variants that disrupt this residue are likely to be disease-causing. For these reasons, this variant has been classified as Pathogenic.

GeneDx
Classification: Pathogenic. Last evaluated: 2025-06-30. Review status: criteria provided, single submitter. Criteria: GeneDx Variant Classification Process June 2021. Collection method: clinical testing. Allele origin: germline. Affected: yes.
Comment: Not observed at significant frequency in large population cohorts (gnomAD); In silico analysis supports that this missense variant has a deleterious effect on protein structure/function; This variant is associated with the following publications: (PMID: 38008000, 36243722, 33590706, 35217970, 31926053)

Ambry Genetics
Classification: Pathogenic for Inborn genetic diseases. Last evaluated: 2022-10-31. Review status: criteria provided, single submitter. Criteria: Ambry Variant Classification Scheme 2023. Collection method: clinical testing. Allele origin: germline.
Comment: The c.170G>A (p.R57H) alteration is located in exon 2 (coding exon 2) of the YWHAG gene. This alteration results from a G to A substitution at nucleotide position 170, causing the arginine (R) at amino acid position 57 to be replaced by a histidine (H). This variant was not reported in population-based cohorts in the Genome Aggregation Database (gnomAD). This variant has been reported as a de novo mutation in multiple individuals with YWHAG-related developmental and epileptic encephalopathy (Sedl&aacute;kov&aacute;, 2021; Yi, 2022). Two other alterations at the same codon, c.169C>G (p.R57G) and c.169C>T (p.R57C), have also been described in individuals with YWHAG-related developmental and epileptic encephalopathy (Kanani, 2020). This amino acid position is highly conserved in available vertebrate species. This missense alteration is located in a region that has a low rate of benign missense variation (Lek, 2016; Firth, 2009). Alterations of p.R57 are likely to disrupt the interaction with phosphorylation sites of other partner proteins (Nedd4-2, DAPK2) (Horvath, 2021; Pohl, 2021). This alteration is predicted to be deleterious by in silico analysis. Based on the available evidence, this alteration is classified as pathogenic.

Institute of Human Genetics, Clinical Exome/Genome Diagnostics Group, University Hospital Bonn
Classification: Likely pathogenic for Developmental and epileptic encephalopathy, 56. Last evaluated: 2022-03-08. Review status: criteria provided, single submitter. Criteria: ACMG Guidelines, 2015. Collection method: clinical testing. Allele origin: germline. Affected: yes.
Comment: PM1_supporting, PM2, PM5, PP2

Blueprint Genetics
Classification: Pathogenic for YWHAG-related disorders. Last evaluated: 2021-07-19. Review status: criteria provided, single submitter. Criteria: ACMG Guidelines, 2015. Collection method: clinical testing. Allele origin: germline. Affected: yes. Observed: 1 variant allele.

Department of Pediatrics, The Affiliated Hospital of Qingdao University
Classification: Likely pathogenic for Developmental and epileptic encephalopathy, 56. Last evaluated: 2020-08-01. Review status: criteria provided, single submitter. Criteria: ACMG Guidelines, 2015. Collection method: clinical testing. Allele origin: maternal, de novo. Inheritance: Autosomal dominant inheritance. Affected: yes.
Comment: The DEE56 caused by YWHAG variant is an autosomal dominant condition. This variant was absent from large population studies including Exome Sequencing Project, 1000 Genomes Project, or Exome Aggregation Consortium (PM2). Multiple lines of computational evidence support a deleterious effect on the gene or gene product (PP3). In summary, the Arg57His variant meets the criteria to be classified as likely pathogenic (PMID: 25741868)

Literature cited by the submitters: PubMed 33590706 (cited by Labcorp Genetics (formerly Invitae), Labcorp and Ambry Genetics); PubMed 31926053 (cited by Labcorp Genetics (formerly Invitae), Labcorp and Ambry Genetics); PubMed 34294877 (cited by Ambry Genetics); PubMed 34413451 (cited by Ambry Genetics); PubMed 36243722 (cited by Ambry Genetics).